The following is an entry in ClinVar:

ClinVar aggregate classification (germline): Benign/Likely benign. Review status: criteria provided, multiple submitters, no conflicts (2 of 4 stars). 4 submissions from 4 submitters: Benign (3); Likely benign (1). Last evaluated 2025-12-18.

Conditions:
Primary ciliary dyskinesia. Also called: Ciliary dyskinesia. Identifiers: Orphanet 244, MedGen C0008780, MONDO:0016575, HP:0012265.
Primary ciliary dyskinesia 21. Also called: CILIARY DYSKINESIA, PRIMARY, 21, WITHOUT SITUS INVERSUS. Identifiers: Orphanet 244, MedGen C3809087, MONDO:0014123, OMIM 615294.

Allele frequency attached by ClinVar (database versions not stated): gnomAD exomes 0.00223; ExAC 0.00371; gnomAD 0.00883 and 0.00942; ESP Exome Variant Server 0.00984; TOPMed 0.00989; 1000 Genomes Project 0.01018; 1000 Genomes Project 30x 0.01156.
gnomAD v4.1: 2,664 of 1,612,076 alleles (0.17%); highest among the groups gnomAD compares: African/African-American, 3.1%; 34 homozygotes.

Submissions (4):

Labcorp Genetics (formerly Invitae), Labcorp
Classification: Benign for Primary ciliary dyskinesia. Last evaluated: 2025-12-18. Review status: criteria provided, single submitter. Criteria: Invitae Variant Classification Sherloc (09022015). Collection method: clinical testing. Allele origin: germline.

Fulgent Genetics
Classification: Likely benign for Primary ciliary dyskinesia 21. Last evaluated: 2022-05-03. Review status: criteria provided, single submitter. Criteria: ACMG Guidelines, 2015. Collection method: clinical testing. Allele origin: unknown.

Laboratory for Molecular Medicine, Mass General Brigham Personalized Medicine
Classification: Benign. Last evaluated: 2016-03-29. Review status: criteria provided, single submitter. Criteria: LMM Criteria. Collection method: clinical testing. Allele origin: germline.
Comment: Variant identified in a genome or exome case(s) and assessed due to predicted null impact of the variant or pathogenic assertions in the literature or databases. Disclaimer: This variant has not undergone full assessment. The following are preliminary notes: Frequency

Breakthrough Genomics
Classification: Benign. Review status: criteria provided, single submitter. Criteria: ACMG Guidelines, 2015. Collection method: not provided. Allele origin: germline. Inheritance: Autosomal recessive inheritance. Affected: yes.

NM_145038.5(DRC1):c.36G>C (p.Pro12=)

Gene: DRC1 (dynein regulatory complex subunit 1; plus strand). Cytogenetic location: 2p23.3.
Variant type: single nucleotide variant.
Coding change: c.36G>C on transcript NM_145038.5 (MANE Select); coding-DNA position 36, G replaced by C.
Protein change: p.Pro12=; no amino-acid change (proline 12 retained).
Molecular consequence: synonymous variant.
Genome position (GRCh38, 1-based): chr2:26,402,025, G>C. VCF-style: chr2-26402025-G-C. GRCh37 (hg19) VCF-style: chr2-26624893-G-C.
Identifiers: ClinVar variation 241940 (VCV000241940.17), dbSNP rs116549039, ClinGen allele CA1561721.